The following is an entry in ClinVar:

ClinVar aggregate classification (germline): Conflicting classifications of pathogenicity. Review status: criteria provided, conflicting classifications (1 of 4 stars). 3 submissions from 3 submitters: Uncertain significance (2); Likely benign (1). Last evaluated 2025-12-09.

Conditions:
Hereditary cancer-predisposing syndrome. Also called: Neoplastic Syndromes, Hereditary; Tumor predisposition; Hereditary Cancer Syndrome; Hereditary neoplastic syndrome. Identifiers: Orphanet 140162, MedGen C0027672, MeSH D009386, MONDO:0015356.
Oligodontia-cancer predisposition syndrome. Also called: TOOTH AGENESIS-COLORECTAL CANCER SYNDROME. Identifiers: Orphanet 300576, MedGen C1837750, MONDO:0012075, OMIM 608615. Disease mechanism: loss of function.

Submissions (3):

Labcorp Genetics (formerly Invitae), Labcorp
Classification: Uncertain significance for Oligodontia-cancer predisposition syndrome. Last evaluated: 2025-12-09. Review status: criteria provided, single submitter. Criteria: Invitae Variant Classification Sherloc (09022015). Collection method: clinical testing. Allele origin: germline.
Comment: This sequence change replaces methionine, which is neutral and non-polar, with isoleucine, which is neutral and non-polar, at codon 565 of the AXIN2 protein (p.Met565Ile). This variant is not present in population databases (gnomAD no frequency). This variant has not been reported in the literature in individuals affected with AXIN2-related conditions. ClinVar contains an entry for this variant (Variation ID: 998875). Invitae Evidence Modeling of protein sequence and biophysical properties (such as structural, functional, and spatial information, amino acid conservation, physicochemical variation, residue mobility, and thermodynamic stability) indicates that this missense variant is not expected to disrupt AXIN2 protein function with a negative predictive value of 80%. In summary, the available evidence is currently insufficient to determine the role of this variant in disease. Therefore, it has been classified as a Variant of Uncertain Significance.

Ambry Genetics
Classification: Likely benign for Hereditary cancer-predisposing syndrome. Last evaluated: 2025-07-28. Review status: criteria provided, single submitter. Criteria: Ambry Variant Classification Scheme 2023. Collection method: clinical testing. Allele origin: germline.

GeneDx
Classification: Uncertain significance. Last evaluated: 2024-02-27. Review status: criteria provided, single submitter. Criteria: GeneDx Variant Classification Process June 2021. Collection method: clinical testing. Allele origin: germline. Affected: yes.
Comment: Not observed at significant frequency in large population cohorts (gnomAD); In silico analysis supports that this missense variant does not alter protein structure/function; Has not been previously published as pathogenic or benign to our knowledge

NM_004655.4(AXIN2):c.1695G>C (p.Met565Ile)

Gene: AXIN2 (axin 2; minus strand). Cytogenetic location: 17q24.1.
Variant type: single nucleotide variant.
Coding change: c.1695G>C on transcript NM_004655.4 (MANE Select); coding-DNA position 1695, G replaced by C.
Protein change: p.Met565Ile; replaces methionine 565 with isoleucine.
Molecular consequence: missense variant.
Genome position (GRCh38, 1-based): chr17:65,537,341, C>G on the plus strand (G>C on the coding strand, the complement: AXIN2 is on the minus strand). VCF-style: chr17-65537341-C-G. GRCh37 (hg19) VCF-style: chr17-63533459-C-G.
Other names: c.1695G>C, p.Met565Ile (NM_001363813.1); short protein forms M565I.
Identifiers: ClinVar variation 998875 (VCV000998875.13), dbSNP rs886041138, ClinGen allele CA400676820.